The following is an entry in ClinVar:

ClinVar aggregate classification (germline): Uncertain significance (1 of 4 stars; one submission).

Allele frequency attached by ClinVar (database versions not stated): 1000 Genomes Project 0.00020; 1000 Genomes Project 30x 0.00047.
gnomAD v4.1: 12 of 1,614,234 alleles (0.00074%); highest among the groups gnomAD compares: African/African-American, 0.008%; no homozygotes.

Submission:

GeneDx
Classification: Uncertain significance. Last evaluated: 2022-10-05. Review status: criteria provided, single submitter. Criteria: GeneDx Variant Classification Process June 2021. Collection method: clinical testing. Allele origin: germline. Affected: yes.
Comment: Not observed at significant frequency in large population cohorts (gnomAD); In silico analysis supports that this missense variant does not alter protein structure/function; Has not been previously published as pathogenic or benign to our knowledge

NM_025265.4(TSEN2):c.496G>C (p.Gly166Arg)

Gene: TSEN2 (tRNA splicing endonuclease subunit 2; plus strand). Cytogenetic location: 3p25.2.
Variant type: single nucleotide variant.
Coding change: c.496G>C on transcript NM_025265.4 (MANE Select); coding-DNA position 496, G replaced by C.
Protein change: p.Gly166Arg; replaces glycine 166 with arginine.
Molecular consequence: missense variant. On other transcripts: non-coding transcript variant (1).
Genome position (GRCh38, 1-based): chr3:12,503,449, G>C. VCF-style: chr3-12503449-G-C. GRCh37 (hg19) VCF-style: chr3-12544948-G-C.
Other names: c.496G>C, p.Gly166Arg (NM_001145392.2, NM_001145393.3, NM_001145394.2 and 3 more transcripts); short protein forms G166R.
Identifiers: ClinVar variation 2498071 (VCV002498071.1), dbSNP rs373438118, ClinGen allele CA69574345.
Genomic context (GRCh38, chr3:12,503,449, plus strand): 5'-GAGGCTCAAGTGCATGACAAGCTTAACTCTGGAATGGTTTCCAACATGGAAGGCACAGCA[G>C]GGGGAGAGAGACCTTCTGTGGTAAACGGGGACTCTGGAAAGTCAGGTGGTGTGGGTGATC-3'
Protein context (NP_079541.1, residues 156-176): GMVSNMEGTA[Gly166Arg]GERPSVVNGD